The following is an entry in ClinVar:

ClinVar aggregate classification (germline): Pathogenic (1 of 4 stars; one submission).

Submission:

GeneDx
Classification: Pathogenic. Last evaluated: 2017-02-27. Review status: criteria provided, single submitter. Criteria: GeneDx Variant Classification (06012015). Collection method: clinical testing. Allele origin: germline. Affected: yes.
Comment: The c.1683+5G>C variant in the CTNNB1 gene has not been reported previously as a pathogenic variant nor as a benign variant, to our knowledge. However, a variant at the same splice donor site, c.1683+1G>A, has been reported as a de novo variant in an individual with syndromic intellectual disability (Kuechler et al., 2015). The c.1683+5G>C variant is predicted to cause a loss of the natural splice donor site in intron 10, and is expected to cause abnormal gene splicing. The c.1683+5G>C variant is not observed in large population cohorts (Lek et al., 2016; 1000 Genomes Consortium et al., 2015; Exome Variant Server). We interpret c.1683+5G>C as a pathogenic variant.

NM_001904.4(CTNNB1):c.1683+5G>C

Genes: CTNNB1 (catenin beta 1; plus strand), LOC126806659 (BRD4-independent group 4 enhancer GRCh37_chr3:41274918-41276117; plus strand). Cytogenetic location: 3p22.1.
Variant type: single nucleotide variant.
Coding change: c.1683+5G>C on transcript NM_001904.4 (MANE Select); 5 bases into the intron after coding-DNA position 1683, G replaced by C.
Molecular consequence: intron variant.
Genome position (GRCh38, 1-based): chr3:41,234,302, G>C. VCF-style: chr3-41234302-G-C. GRCh37 (hg19) VCF-style: chr3-41275793-G-C.
Other names: c.1662+5G>C (NM_001330729.2); c.1683+5G>C (NM_001098209.2, NM_001098210.2).
Identifiers: ClinVar variation 423828 (VCV000423828.2), dbSNP rs1064796646, ClinGen allele CA16617966.